The following is an entry in ClinVar:

NM_004085.4(TIMM8A):c.112C>T (p.Gln38Ter)

Gene: TIMM8A (translocase of inner mitochondrial membrane 8A; minus strand). Cytogenetic location: Xq22.1.
Variant type: single nucleotide variant.
Coding change: c.112C>T on transcript NM_004085.4 (MANE Select); coding-DNA position 112, C replaced by T.
Protein change: p.Gln38Ter; replaces glutamine 38 with a stop codon.
Molecular consequence: nonsense.
Genome position (GRCh38, 1-based): chrX:101,348,553, G>A on the plus strand (C>T on the coding strand, the complement: TIMM8A is on the minus strand). VCF-style: chrX-101348553-G-A. GRCh37 (hg19) VCF-style: chrX-100603541-G-A.
Other names: c.112C>T, p.Gln38Ter (NM_001145951.2); short protein forms Q38*.
Identifiers: ClinVar variation 21393 (VCV000021393.5), dbSNP rs80356559, ClinGen allele CA342010.
Genomic context (GRCh38, chrX:101,348,553, plus strand): 5'-AGTAGGTACAGTGTTCAGGTCCCAGCCCCAGGCTCCTCACCCAACAAAGTTCAGTCATCT[G>A]GTGCACCAGCTGCTGGAAGCGCTGCTTTTGAGTCTCTACCTCGATGAAATGCTGCAACTG-3'

ClinVar aggregate classification (germline): Pathogenic. Review status: criteria provided, single submitter (1 of 4 stars). 2 submissions from 2 submitters: Pathogenic (1). 1 of the submissions does not count toward it. Last evaluated 2024-06-12.

Conditions:
Deafness dystonia syndrome (MTS). Also called: OPTICOACOUSTIC NERVE ATROPHY WITH DEMENTIA; Opticoacustic nerve atrophy with dementia; Nerve deafness optic nerve atrophy, and dementia; Syndrome of opticoacoustic nerve atrophy with dementia; DYSTONIA-DEAFNESS SYNDROME, X-LINKED; DEAFNESS SYNDROME, PROGRESSIVE, WITH BLINDNESS, DYSTONIA, FRACTURES, AND MENTAL DEFICIENCY. Identifiers: Orphanet 52368, MedGen C0796074, MONDO:0010578, OMIM 304700.

Submissions (2):

Labcorp Genetics (formerly Invitae), Labcorp
Classification: Pathogenic. Last evaluated: 2024-06-12. Review status: criteria provided, single submitter. Criteria: Invitae Variant Classification Sherloc (09022015). Collection method: clinical testing. Allele origin: germline.
Comment: This sequence change creates a premature translational stop signal (p.Gln38*) in the TIMM8A gene. While this is not anticipated to result in nonsense mediated decay, it is expected to disrupt the last 60 amino acid(s) of the TIMM8A protein. This variant is not present in population databases (gnomAD no frequency). This premature translational stop signal has been observed in individual(s) with Mohr-Tranebjaerg syndrome (PMID: 17999202). In at least one individual the variant was observed to be de novo. ClinVar contains an entry for this variant (Variation ID: 21393). Algorithms developed to predict the effect of sequence changes on RNA splicing suggest that this variant may disrupt the consensus splice site. For these reasons, this variant has been classified as Pathogenic.

GeneReviews
No classification provided. Condition: Deafness dystonia syndrome. Review status: no classification provided. Collection method: literature only. Allele origin: unknown. Not counted in ClinVar's aggregate classification.

Literature cited by the submitters: PubMed 17999202 (cited by Labcorp Genetics (formerly Invitae), Labcorp and GeneReviews); PubMed 20301395 (cited by GeneReviews); NCBI Bookshelf NBK1216 (cited by GeneReviews).